The following is an entry in ClinVar:

NM_000179.3(MSH6):c.3646+6A>C

Gene: MSH6 (mutS homolog 6; plus strand). Cytogenetic location: 2p16.3.
Variant type: single nucleotide variant.
Coding change: c.3646+6A>C on transcript NM_000179.3 (MANE Select); 6 bases into the intron after coding-DNA position 3646, A replaced by C.
Molecular consequence: intron variant.
Genome position (GRCh38, 1-based): chr2:47,805,713, A>C. VCF-style: chr2-47805713-A-C. GRCh37 (hg19) VCF-style: chr2-48032852-A-C.
Other names: c.2740+6A>C (NM_001281493.2, NM_001281494.2); c.3256+6A>C (NM_001281492.2).
Identifiers: ClinVar variation 969629 (VCV000969629.10), dbSNP rs1669974451, ClinGen allele CA1139656968.

ClinVar aggregate classification (germline): Uncertain significance (1 of 4 stars; one submission).

Conditions:
Hereditary nonpolyposis colorectal neoplasms. Identifiers: MedGen C0009405, MeSH D003123.

Submission:

Labcorp Genetics (formerly Invitae), Labcorp
Classification: Uncertain significance for Hereditary nonpolyposis colorectal neoplasms. Last evaluated: 2020-06-06. Review status: criteria provided, single submitter. Criteria: Invitae Variant Classification Sherloc (09022015). Collection method: clinical testing. Allele origin: germline.
Comment: Nucleotide substitutions within the consensus splice site are a relatively common cause of aberrant splicing (PMID: 17576681, 9536098). Algorithms developed to predict the effect of sequence changes on RNA splicing suggest that this variant is not likely to affect RNA splicing, but this prediction has not been confirmed by published transcriptional studies. In summary, the available evidence is currently insufficient to determine the role of this variant in disease. Therefore, it has been classified as a Variant of Uncertain Significance. This sequence change falls in intron 7 of the MSH6 gene. It does not directly change the encoded amino acid sequence of the MSH6 protein, but it affects a nucleotide within the consensus splice site of the intron. This variant is not present in population databases (ExAC no frequency). This variant has not been reported in the literature in individuals with MSH6-related conditions.

Literature cited by the submitters: PubMed 17576681; PubMed 9536098.